The following is an entry in ClinVar:

ClinVar aggregate classification (germline): Benign/Likely benign. Review status: criteria provided, multiple submitters, no conflicts (2 of 4 stars). 5 submissions from 5 submitters: Benign (4); Likely benign (1). Last evaluated 2026-01-28.

Conditions:
Tumoral calcinosis, hyperphosphatemic, familial, 1. Also called: LIPOCALCINOGRANULOMATOSIS; MORBUS TEUTSCHLAENDER; TEUTSCHLAENDER DISEASE, FAMILIAL; TUMORAL CALCINOSIS, PRIMARY HYPERPHOSPHATEMIC; CALCINOSIS, TUMORAL, WITH HYPERPHOSPHATEMIA; HYPEROSTOSIS WITH HYPERPHOSPHATEMIA. Identifiers: Orphanet 53715, MedGen C4692564, MONDO:0100252, OMIM 211900.

Allele frequency attached by ClinVar (database versions not stated): gnomAD exomes 0.00071 and 0.00210; ExAC 0.00279; gnomAD 0.00744 and 0.00802; TOPMed 0.00859; ESP Exome Variant Server 0.00976; 1000 Genomes Project 0.00998; 1000 Genomes Project 30x 0.01077.
gnomAD v4.1: 2,241 of 1,614,156 alleles (0.14%); highest among the groups gnomAD compares: African/African-American, 2.5%; 28 homozygotes.

Submissions (5):

Labcorp Genetics (formerly Invitae), Labcorp
Classification: Benign. Last evaluated: 2026-01-28. Review status: criteria provided, single submitter. Criteria: Invitae Variant Classification Sherloc (09022015). Collection method: clinical testing. Allele origin: germline.

Mayo Clinic Laboratories, Mayo Clinic
Classification: Benign. Last evaluated: 2024-12-16. Review status: criteria provided, single submitter. Criteria: ACMG Guidelines, 2015. Collection method: clinical testing. Allele origin: germline. Observed: 1 variant allele.
Comment: BS1, BS2

Blueprint Genetics
Classification: Likely benign. Last evaluated: 2024-11-25. Review status: criteria provided, single submitter. Criteria: ACMG Guidelines, 2015. Collection method: clinical testing. Allele origin: germline.

Illumina Laboratory Services, Illumina
Classification: Benign for Tumoral calcinosis, hyperphosphatemic, familial, 1. Last evaluated: 2018-01-12. Review status: criteria provided, single submitter. Criteria: ICSL Variant Classification Criteria 13 December 2019. Collection method: clinical testing. Allele origin: germline.
Comment: This variant was observed in the ICSL laboratory as part of a predisposition screen in an ostensibly healthy population. It had not been previously curated by ICSL or reported in the Human Gene Mutation Database (HGMD: prior to June 1st, 2018), and was therefore a candidate for classification through an automated scoring system. Utilizing variant allele frequency, disease prevalence and penetrance estimates, and inheritance mode, an automated score was calculated to assess if this variant is too frequent to cause the disease. Based on the score and internal cut-off values, a variant classified as benign is not then subjected to further curation. The score for this variant resulted in a classification of benign for this disease.

Breakthrough Genomics
Classification: Benign. Review status: criteria provided, single submitter. Criteria: ACMG Guidelines, 2015. Collection method: not provided. Allele origin: germline. Inheritance: Autosomal recessive inheritance. Affected: yes.

NM_004482.4(GALNT3):c.669G>A (p.Val223=)

Gene: GALNT3 (polypeptide N-acetylgalactosaminyltransferase 3; minus strand). Cytogenetic location: 2q24.3.
Variant type: single nucleotide variant.
Coding change: c.669G>A on transcript NM_004482.4 (MANE Select); coding-DNA position 669, G replaced by A.
Protein change: p.Val223=; no amino-acid change (valine 223 retained).
Molecular consequence: synonymous variant.
Genome position (GRCh38, 1-based): chr2:165,764,903, C>T on the plus strand (G>A on the coding strand, the complement: GALNT3 is on the minus strand). VCF-style: chr2-165764903-C-T. GRCh37 (hg19) VCF-style: chr2-166621413-C-T.
Other names: p.Val223=.
Identifiers: ClinVar variation 331784 (VCV000331784.18), dbSNP rs13423840, ClinGen allele CA1941174.